The following is an entry in ClinVar:

ClinVar aggregate classification (germline): Pathogenic/Likely pathogenic. Review status: criteria provided, multiple submitters, no conflicts (2 of 4 stars). 2 submissions from 2 submitters: Pathogenic (1); Likely pathogenic (1). Last evaluated 2025-11-25.

Conditions:
Ataxia-telangiectasia syndrome (AT). Also called: Ataxia-telangiectasia, complementation group D; AT, COMPLEMENTATION GROUP C; ATAXIA-TELANGIECTASIA, COMPLEMENTATION GROUP A; ATAXIA-TELANGIECTASIA, FRESNO VARIANT; Ataxia-telangiectasia; Ataxia-telangiectasia, complementation group E. Identifiers: Orphanet 100, MedGen C0004135, MONDO:0008840, OMIM 208900.
Hereditary cancer-predisposing syndrome. Also called: Neoplastic Syndromes, Hereditary; Tumor predisposition; Hereditary Cancer Syndrome; Hereditary neoplastic syndrome. Identifiers: Orphanet 140162, MedGen C0027672, MeSH D009386, MONDO:0015356.

Submissions (2):

Ambry Genetics
Classification: Likely pathogenic for Hereditary cancer-predisposing syndrome. Last evaluated: 2025-11-25. Review status: criteria provided, single submitter. Criteria: Ambry Variant Classification Scheme 2023. Collection method: clinical testing. Allele origin: germline.
Comment: The c.8711_8716delAGACAG variant (also known as p.E2904_T2905del) is located in coding exon 59 of the ATM gene. This variant results from an in-frame AGACAG deletion at nucleotide positions 8711 to 8716. This results in the in-frame deletion of glutamate and threonine at codons 2904 and 2905. This amino acid region is highly conserved in available vertebrate species and the impacted region is critical for protein function (Ambry internal data). In addition, this variant is predicted to be deleterious by in silico analysis (Choi Y et al. PLoS ONE. 2012; 7(10):e46688). As such, this variant is classified as likely pathogenic.

Labcorp Genetics (formerly Invitae), Labcorp
Classification: Pathogenic for Ataxia-telangiectasia syndrome. Last evaluated: 2024-05-22. Review status: criteria provided, single submitter. Criteria: Invitae Variant Classification Sherloc (09022015). Collection method: clinical testing. Allele origin: germline.
Comment: This variant, c.8711_8716del, results in the deletion of 2 amino acid(s) of the ATM protein (p.Glu2904_Thr2905del), but otherwise preserves the integrity of the reading frame. This variant is not present in population databases (gnomAD no frequency). This variant has been observed in individual(s) with ataxia-telangiectasia (PMID: 10980530). Experimental studies and prediction algorithms are not available or were not evaluated, and the functional significance of this variant is currently unknown. This variant disrupts a region of the ATM protein in which other variant(s) (p.Glu2904Gly) have been determined to be pathogenic (PMID: 8845835, 9244351; Invitae). This suggests that this is a clinically significant region of the protein, and that variants that disrupt it are likely to be disease-causing. For these reasons, this variant has been classified as Pathogenic.

Literature cited by the submitters: PubMed 10980530 (cited by Labcorp Genetics (formerly Invitae), Labcorp); PubMed 8845835 (cited by Labcorp Genetics (formerly Invitae), Labcorp); PubMed 9244351 (cited by Labcorp Genetics (formerly Invitae), Labcorp).

NM_000051.4(ATM):c.8711_8716del (p.Glu2904_Thr2905del)

Genes: ATM (ATM serine/threonine kinase; plus strand), C11orf65 (chromosome 11 open reading frame 65; minus strand). Cytogenetic location: 11q22.3.
Variant type: Deletion.
Coding change: c.8711_8716del on transcript NM_000051.4 (MANE Select); coding-DNA positions 8711 to 8716, 6 bases deleted (AGACAG; older notation c.8711_8716delAGACAG).
Protein change: p.Glu2904_Thr2905del.
Molecular consequence: inframe deletion. On other transcripts: intron variant (2).
Genome position (GRCh38, 1-based): chr11:108,353,805-108,353,810, AGACAG deleted; deleting any 6 consecutive bases within chr11:108,353,804-108,353,810 gives the same sequence; the c. name uses the placement nearest the transcript's 3' end. VCF-style (leftmost placement, unchanged base first): chr11-108353803-TGAGACA-T. GRCh37 (hg19) VCF-style: chr11-108224530-TGAGACA-T.
Other names: c.8711_8716del, p.Glu2904_Thr2905del (NM_001351834.2); c.640+32111_640+32116del (NM_001330368.2); c.695-18517_695-18512del (NM_001351110.2).
Identifiers: ClinVar variation 3721090 (VCV003721090.2).
Genomic context (GRCh38, chr11:108,353,803, plus strand): 5'-CTTCACTGTATTCTTTACTTTAGGTGTTGCTTTTGAACAGGGCAAAATCCTTCCTACTCC[TGAGACA>T]GTTCCTTTTAGACTCACCAGAGATATTGTGGATGGCATGGGCATTACGGGTGTTGAAGGT-3'